The following is an entry in ClinVar:

ClinVar aggregate classification (germline): Pathogenic/Likely pathogenic. Review status: criteria provided, multiple submitters, no conflicts (2 of 4 stars). 3 submissions from 3 submitters: Pathogenic (2); Likely pathogenic (1). Last evaluated 2026-01-16.

Conditions:
DYSF-related disorder. Also called: DYSF-related condition; DYSF-related disorders.
Neuromuscular disease caused by qualitative or quantitative defects of dysferlin. Also called: Dysferlinopathy; Qualitative or quantitative defects of dysferlin. Identifiers: Orphanet 207073, MedGen C2931687, MONDO:0016145.

Submissions (3):

Labcorp Genetics (formerly Invitae), Labcorp
Classification: Pathogenic for Neuromuscular disease caused by qualitative or quantitative defects of dysferlin. Last evaluated: 2026-01-16. Review status: criteria provided, single submitter. Criteria: Invitae Variant Classification Sherloc (09022015). Collection method: clinical testing. Allele origin: germline.
Comment: This sequence change creates a premature translational stop signal (p.Gln699*) in the DYSF gene. It is expected to result in an absent or disrupted protein product. Loss-of-function variants in DYSF are known to be pathogenic (PMID: 17698709, 20301480). This variant is not present in population databases (gnomAD no frequency). This variant has not been reported in the literature in individuals affected with DYSF-related conditions. ClinVar contains an entry for this variant (Variation ID: 1322803). For these reasons, this variant has been classified as Pathogenic.

PreventionGenetics, part of Exact Sciences
Classification: Likely pathogenic for DYSF-related condition. Last evaluated: 2025-02-18. Review status: criteria provided, single submitter. Criteria: ACMG Guidelines, 2015. Collection method: clinical testing. Allele origin: germline.
Comment: The DYSF c.2095C>T variant is predicted to result in premature protein termination (p.Gln699*). This variant has not been reported in the literature or in population databases, indicating that it is rare. Nonsense variants in DYSF are expected to be pathogenic. This variant is interpreted as likely pathogenic.

Revvity Omics, Revvity
Classification: Pathogenic. Last evaluated: 2019-03-18. Review status: criteria provided, single submitter. Criteria: ACMG Guidelines, 2015. Collection method: clinical testing. Allele origin: germline.

Literature cited by the submitters: PubMed 17698709 (cited by Labcorp Genetics (formerly Invitae), Labcorp); PubMed 20301480 (cited by Labcorp Genetics (formerly Invitae), Labcorp).

NM_001130987.2(DYSF):c.2149C>T (p.Gln717Ter)

Gene: DYSF (dysferlin; plus strand). Cytogenetic location: 2p13.2.
Variant type: single nucleotide variant.
Coding change: c.2149C>T on transcript NM_001130987.2 (MANE Select); coding-DNA position 2149, C replaced by T.
Protein change: p.Gln717Ter; replaces glutamine 717 with a stop codon.
Molecular consequence: nonsense.
Genome position (GRCh38, 1-based): chr2:71,556,004, C>T. VCF-style: chr2-71556004-C-T. GRCh37 (hg19) VCF-style: chr2-71783134-C-T.
Other names: c.2098C>T, p.Gln700Ter (NM_001130455.2, NM_001130983.2); c.2053C>T, p.Gln685Ter (NM_001130976.2, NM_001130977.2); c.2095C>T, p.Gln699Ter (NM_001130978.2, NM_003494.4); c.2188C>T, p.Gln730Ter (NM_001130979.2); c.2146C>T, p.Gln716Ter (NM_001130980.2, NM_001130981.2); c.2191C>T, p.Gln731Ter (NM_001130982.2); c.2056C>T, p.Gln686Ter (NM_001130984.2, NM_001130986.2); c.2149C>T, p.Gln717Ter (NM_001130985.2); short protein forms Q685*, Q686*, Q699*, Q700*, Q716*, Q717*, Q730*, Q731*.
Identifiers: ClinVar variation 1322803 (VCV001322803.9), dbSNP rs1320536163, ClinGen allele CA347219142.